The following is an entry in ClinVar:

NM_005535.3(IL12RB1):c.1616T>A (p.Ile539Asn)

Gene: IL12RB1 (interleukin 12 receptor subunit beta 1; minus strand). Cytogenetic location: 19p13.11.
Variant type: single nucleotide variant.
Coding change: c.1616T>A on transcript NM_005535.3 (MANE Select); coding-DNA position 1616, T replaced by A.
Protein change: p.Ile539Asn; replaces isoleucine 539 with asparagine.
Molecular consequence: missense variant.
Genome position (GRCh38, 1-based): chr19:18,063,878, A>T on the plus strand (T>A on the coding strand, the complement: IL12RB1 is on the minus strand). VCF-style: chr19-18063878-A-T. GRCh37 (hg19) VCF-style: chr19-18174688-A-T.
Other names: c.1616T>A, p.Ile539Asn (NM_001290023.2); c.1736T>A, p.Ile579Asn (NM_001290024.2); short protein forms I539N, I579N.
Identifiers: ClinVar variation 1402371 (VCV001402371.8), dbSNP rs2146121383, ClinGen allele CA404776241.

ClinVar aggregate classification (germline): Uncertain significance (1 of 4 stars; one submission).

Conditions:
Mendelian susceptibility to mycobacterial diseases due to complete IL12RB1 deficiency. Also called: IL12RB1 DEFICIENCY; Immunodeficiency 30. Identifiers: Orphanet 319552, MedGen C4013949, MONDO:0013955, OMIM 614891.

Submission:

Labcorp Genetics (formerly Invitae), Labcorp
Classification: Uncertain significance for Mendelian susceptibility to mycobacterial diseases due to complete IL12RB1 deficiency. Last evaluated: 2024-09-06. Review status: criteria provided, single submitter. Criteria: Invitae Variant Classification Sherloc (09022015). Collection method: clinical testing. Allele origin: germline.
Comment: This sequence change replaces isoleucine, which is neutral and non-polar, with asparagine, which is neutral and polar, at codon 539 of the IL12RB1 protein (p.Ile539Asn). This variant is not present in population databases (gnomAD no frequency). This variant has not been reported in the literature in individuals affected with IL12RB1-related conditions. ClinVar contains an entry for this variant (Variation ID: 1402371). An algorithm developed to predict the effect of missense changes on protein structure and function (PolyPhen-2) suggests that this variant is likely to be tolerated. In summary, the available evidence is currently insufficient to determine the role of this variant in disease. Therefore, it has been classified as a Variant of Uncertain Significance.